The following is an entry in ClinVar:

NM_152618.3(BBS12):c.847A>G (p.Met283Val)

Gene: BBS12 (Bardet-Biedl syndrome 12; plus strand). Cytogenetic location: 4q27.
Variant type: single nucleotide variant.
Coding change: c.847A>G on transcript NM_152618.3 (MANE Select); coding-DNA position 847, A replaced by G.
Protein change: p.Met283Val; replaces methionine 283 with valine.
Molecular consequence: missense variant.
Genome position (GRCh38, 1-based): chr4:122,742,739, A>G. VCF-style: chr4-122742739-A-G. GRCh37 (hg19) VCF-style: chr4-123663894-A-G.
Other names: c.847A>G, p.Met283Val (NM_001178007.2); c.847A>G (NM_152618.2); short protein forms M283V.
Identifiers: ClinVar variation 1422703 (VCV001422703.6), dbSNP rs1173472896, ClinGen allele CA358223828.

ClinVar aggregate classification (germline): Uncertain significance. Review status: criteria provided, multiple submitters, no conflicts (2 of 4 stars). 2 submissions from 2 submitters: Uncertain significance (2). Last evaluated 2025-12-11.

Conditions:
Inborn genetic diseases. Identifiers: MedGen C0950123, MeSH D030342.
Bardet-Biedl syndrome (BBS). Identifiers: Orphanet 110, MedGen C0752166, MONDO:0015229.

Allele frequency attached by ClinVar (database versions not stated): gnomAD exomes below 0.00001.
gnomAD v4.1: 2 of 1,614,266 alleles (0.00012%); highest among the groups gnomAD compares: Admixed American, 0.0017%; no homozygotes.

Submissions (2):

Ambry Genetics
Classification: Uncertain significance for Inborn genetic diseases. Last evaluated: 2025-12-11. Review status: criteria provided, single submitter. Criteria: Ambry Variant Classification Scheme 2023. Collection method: clinical testing. Allele origin: germline.

Labcorp Genetics (formerly Invitae), Labcorp
Classification: Uncertain significance for Bardet-Biedl syndrome. Last evaluated: 2021-10-14. Review status: criteria provided, single submitter. Criteria: Invitae Variant Classification Sherloc (09022015). Collection method: clinical testing. Allele origin: germline.
Comment: This sequence change replaces methionine with valine at codon 283 of the BBS12 protein (p.Met283Val). The methionine residue is highly conserved and there is a small physicochemical difference between methionine and valine. This variant is not present in population databases (ExAC no frequency). This variant has not been reported in the literature in individuals affected with BBS12-related conditions. Algorithms developed to predict the effect of missense changes on protein structure and function are either unavailable or do not agree on the potential impact of this missense change (SIFT: "Deleterious"; PolyPhen-2: "Probably Damaging"; Align-GVGD: "Class C15"). In summary, the available evidence is currently insufficient to determine the role of this variant in disease. Therefore, it has been classified as a Variant of Uncertain Significance.